The following is an entry in ClinVar:

NM_006939.4(SOS2):c.1426A>G (p.Thr476Ala)

Gene: SOS2 (SOS Ras/Rho guanine nucleotide exchange factor 2; minus strand). Cytogenetic location: 14q21.3.
Variant type: single nucleotide variant.
Coding change: c.1426A>G on transcript NM_006939.4 (MANE Select); coding-DNA position 1426, A replaced by G.
Protein change: p.Thr476Ala; replaces threonine 476 with alanine.
Molecular consequence: missense variant.
Genome position (GRCh38, 1-based): chr14:50,159,857, T>C on the plus strand (A>G on the coding strand, the complement: SOS2 is on the minus strand). VCF-style: chr14-50159857-T-C. GRCh37 (hg19) VCF-style: chr14-50626575-T-C.
Other names: c.1327A>G, p.Thr443Ala (NM_001411020.1); short protein forms T476A, T443A.
Identifiers: ClinVar variation 4172007 (VCV004172007.1).
Genomic context (GRCh38, chr14:50,159,857, plus strand): 5'-TCCTCATGACAAATTTTTCTTTTAACCTGTATTCTGCACTACTGTAACCTGGAAGCCGAG[T>C]CTGGCCATGATTAGGTTTACAACTGATCATTAAGCCATCAAACAGAAAAATATGCCGTTC-3'
Protein context (NP_008870.2, residues 466-486): MISCKPNHGQ[Thr476Ala]RLPGYSSAEY

ClinVar aggregate classification (germline): Uncertain significance (1 of 4 stars; one submission).

Conditions:
Cardiovascular phenotype. Identifiers: MedGen CN230736.

Submission:

Ambry Genetics
Classification: Uncertain significance for Cardiovascular phenotype. Last evaluated: 2025-06-28. Review status: criteria provided, single submitter. Criteria: Ambry Variant Classification Scheme 2023. Collection method: clinical testing. Allele origin: germline.
Comment: The p.T476A variant (also known as c.1426A>G), located in coding exon 10 of the SOS2 gene, results from an A to G substitution at nucleotide position 1426. The threonine at codon 476 is replaced by alanine, an amino acid with similar properties. This amino acid position is conserved. In addition, this alteration is predicted to be tolerated by in silico analysis. Based on the available evidence, the clinical significance of this variant remains unclear.